The following is an entry in ClinVar:

ClinVar aggregate classification (germline): Uncertain significance (1 of 4 stars; one submission).

Conditions:
RASopathy. Also called: Noonan spectrum disorder; rasopathies. Identifiers: Orphanet 536391, MedGen C5555857, MONDO:0021060.

gnomAD v4.1: 1 of 1,600,122 alleles (0.000062%); highest among the groups gnomAD compares: South Asian, 0.0011%; no homozygotes.

Submission:

Labcorp Genetics (formerly Invitae), Labcorp
Classification: Uncertain significance for RASopathy. Last evaluated: 2025-02-28. Review status: criteria provided, single submitter. Criteria: Invitae Variant Classification Sherloc (09022015). Collection method: clinical testing. Allele origin: germline.
Comment: This sequence change replaces glutamic acid, which is acidic and polar, with glutamine, which is neutral and polar, at codon 116 of the SOS1 protein (p.Glu116Gln). This variant is not present in population databases (gnomAD no frequency). This variant has not been reported in the literature in individuals affected with SOS1-related conditions. An algorithm developed to predict the effect of missense changes on protein structure and function (PolyPhen-2) suggests that this variant is likely to be disruptive. Algorithms developed to predict the effect of sequence changes on RNA splicing suggest that this variant may create or strengthen a splice site. In summary, the available evidence is currently insufficient to determine the role of this variant in disease. Therefore, it has been classified as a Variant of Uncertain Significance.

NM_005633.4(SOS1):c.346G>C (p.Glu116Gln)

Gene: SOS1 (SOS Ras/Rac guanine nucleotide exchange factor 1; minus strand). Cytogenetic location: 2p22.1.
Variant type: single nucleotide variant.
Coding change: c.346G>C on transcript NM_005633.4 (MANE Select); coding-DNA position 346, G replaced by C.
Protein change: p.Glu116Gln; replaces glutamic acid 116 with glutamine.
Molecular consequence: missense variant.
Genome position (GRCh38, 1-based): chr2:39,056,866, C>G on the plus strand (G>C on the coding strand, the complement: SOS1 is on the minus strand). VCF-style: chr2-39056866-C-G. GRCh37 (hg19) VCF-style: chr2-39284007-C-G.
Other names: c.325G>C, p.Glu109Gln (NM_001382394.1); c.346G>C, p.Glu116Gln (NM_001382395.1); short protein forms E109Q, E116Q.
Identifiers: ClinVar variation 4714125 (VCV004714125.1).